The following is an entry in ClinVar:

NM_022740.5(HIPK2):c.1882G>A (p.Ala628Thr)

Gene: HIPK2 (homeodomain interacting protein kinase 2; minus strand). Cytogenetic location: 7q34.
Variant type: single nucleotide variant.
Coding change: c.1882G>A on transcript NM_022740.5 (MANE Select); coding-DNA position 1882, G replaced by A.
Protein change: p.Ala628Thr; replaces alanine 628 with threonine.
Molecular consequence: missense variant.
Genome position (GRCh38, 1-based): chr7:139,614,394, C>T on the plus strand (G>A on the coding strand, the complement: HIPK2 is on the minus strand). VCF-style: chr7-139614394-C-T. GRCh37 (hg19) VCF-style: chr7-139299140-C-T.
Other names: c.1801G>A, p.Ala601Thr (NM_001113239.3); short protein forms A628T, A601T.
Identifiers: ClinVar variation 2522914 (VCV002522914.2), dbSNP rs2485817171, ClinGen allele CA369514382.

ClinVar aggregate classification (germline): Uncertain significance (1 of 4 stars; one submission).

Submission:

Ambry Genetics
Classification: Uncertain significance. Last evaluated: 2023-05-30. Review status: criteria provided, single submitter. Criteria: Ambry Variant Classification Scheme 2023. Collection method: clinical testing. Allele origin: germline.
Comment: The c.1882G>A (p.A628T) alteration is located in exon (coding exon ) of the HIPK2 gene. This alteration results from a G to A substitution at nucleotide position 1882, causing the alanine (A) at amino acid position 628 to be replaced by a threonine (T). Based on insufficient or conflicting evidence, the clinical significance of this alteration remains unclear.